The following is an entry in ClinVar:

ClinVar aggregate classification (germline): Uncertain significance. Review status: criteria provided, multiple submitters, no conflicts (2 of 4 stars). 2 submissions from 2 submitters: Uncertain significance (2). Last evaluated 2024-07-16.

Allele frequency attached by ClinVar (database versions not stated): gnomAD 0.00001 and 0.00003; ExAC 0.00002; gnomAD exomes 0.00002.
gnomAD v4.1: 29 of 1,613,624 alleles (0.0018%); highest among the groups gnomAD compares: Middle Eastern, 0.016%; no homozygotes.

Submissions (2):

GeneDx
Classification: Uncertain significance. Last evaluated: 2024-07-16. Review status: criteria provided, single submitter. Criteria: GeneDx Variant Classification Process June 2021. Collection method: clinical testing. Allele origin: germline. Affected: yes.
Comment: Not observed at significant frequency in large population cohorts (gnomAD); Missense variant in a gene in which most reported pathogenic variants are truncating/loss of function; Has not been previously published as pathogenic or benign to our knowledge

Eurofins Ntd Llc (ga)
Classification: Uncertain significance. Last evaluated: 2017-07-03. Review status: criteria provided, single submitter. Criteria: EGL Classification Definitions 2015. Collection method: clinical testing. Allele origin: germline. Observed: 1 variant allele, 1 heterozygote.

NM_001267550.2(TTN):c.11974G>A (p.Gly3992Ser)

Gene: TTN (titin; minus strand). Cytogenetic location: 2q31.2.
Variant type: single nucleotide variant.
Coding change: c.11974G>A on transcript NM_001267550.2 (MANE Select); coding-DNA position 11974, G replaced by A.
Protein change: p.Gly3992Ser; replaces glycine 3992 with serine.
Molecular consequence: missense variant. On other transcripts: intron variant (1).
Genome position (GRCh38, 1-based): chr2:178,741,259, C>T on the plus strand (G>A on the coding strand, the complement: TTN is on the minus strand). VCF-style: chr2-178741259-C-T. GRCh37 (hg19) VCF-style: chr2-179605986-C-T.
Other names: c.11023G>A, p.Gly3675Ser (NM_001256850.1); c.10885G>A, p.Gly3629Ser (NM_003319.4); c.11260G>A, p.Gly3754Ser (NM_133432.3); c.11461G>A, p.Gly3821Ser (NM_133437.4); c.10361-2899G>A (NM_133378.4); c.11974G>A (NM_001267550.1); short protein forms G3675S, G3992S, G3629S, G3754S, G3821S.
Identifiers: ClinVar variation 593018 (VCV000593018.6), dbSNP rs774085575, ClinGen allele CA2002781.